The following is an entry in ClinVar:

ClinVar aggregate classification (germline): Uncertain significance (1 of 4 stars; one submission).

Submission:

GeneDx
Classification: Uncertain significance. Last evaluated: 2025-03-27. Review status: criteria provided, single submitter. Criteria: GeneDx Variant Classification Process June 2021. Collection method: clinical testing. Allele origin: germline. Affected: yes.
Comment: Not observed at significant frequency in large population cohorts (gnomAD); In silico analysis indicates that this missense variant does not alter protein structure/function; Has not been previously published as pathogenic or benign to our knowledge

NM_001134673.4(NFIA):c.342G>T (p.Met114Ile)

Gene: NFIA (nuclear factor I A; plus strand). Cytogenetic location: 1p31.3.
Variant type: single nucleotide variant.
Coding change: c.342G>T on transcript NM_001134673.4 (MANE Select); coding-DNA position 342, G replaced by T.
Protein change: p.Met114Ile; replaces methionine 114 with isoleucine.
Molecular consequence: missense variant.
Genome position (GRCh38, 1-based): chr1:61,088,463, G>T. VCF-style: chr1-61088463-G-T. GRCh37 (hg19) VCF-style: chr1-61554135-G-T.
Other names: c.318G>T, p.Met106Ile (NM_001145511.2); c.477G>T, p.Met159Ile (NM_001145512.2); c.342G>T, p.Met114Ile (NM_005595.5); short protein forms M106I, M114I, M159I.
Identifiers: ClinVar variation 4088056 (VCV004088056.1).